The following is an entry in ClinVar:

NM_020632.3(ATP6V0A4):c.2170G>A (p.Ala724Thr)

Gene: ATP6V0A4 (ATPase H+ transporting V0 subunit a4; minus strand). Cytogenetic location: 7q34.
Variant type: single nucleotide variant.
Coding change: c.2170G>A on transcript NM_020632.3 (MANE Select); coding-DNA position 2170, G replaced by A.
Protein change: p.Ala724Thr; replaces alanine 724 with threonine.
Molecular consequence: missense variant.
Genome position (GRCh38, 1-based): chr7:138,715,851, C>T on the plus strand (G>A on the coding strand, the complement: ATP6V0A4 is on the minus strand). VCF-style: chr7-138715851-C-T. GRCh37 (hg19) VCF-style: chr7-138400596-C-T.
Other names: c.2170G>A, p.Ala724Thr (NM_130840.3, NM_130841.3); short protein forms A724T.
Identifiers: ClinVar variation 2416410 (VCV002416410.7), dbSNP rs374563625, ClinGen allele CA4504505.

ClinVar aggregate classification (germline): Uncertain significance. Review status: criteria provided, multiple submitters, no conflicts (2 of 4 stars). 2 submissions from 2 submitters: Uncertain significance (2). Last evaluated 2026-08-06.

Conditions:
Renal tubular acidosis, distal, 3, with or without sensorineural hearing loss (DRTA3). Identifiers: MedGen C5399980, MONDO:0011268, OMIM 602722.

Allele frequency attached by ClinVar (database versions not stated): ExAC 0.00001; gnomAD exomes 0.00001; gnomAD 0.00003; TOPMed 0.00003; ESP Exome Variant Server 0.00008.
gnomAD v4.1: 28 of 1,613,542 alleles (0.0017%); highest among the groups gnomAD compares: Admixed American, 0.015%; no homozygotes.

Submissions (2):

OLLIN Analises Genomicas, OLLIN
Classification: Uncertain significance for Renal tubular acidosis, distal, 3, with or without sensorineural hearing loss. Last evaluated: 2026-08-06. Review status: criteria provided, single submitter. Criteria: ACMG Guidelines 2015 PMID 25741868. Collection method: clinical testing. Allele origin: germline.
Comment: This missense variant, located in exon 20 (of 22), has been reported in ClinVar (accession VCV002416410.6) and in gnomAD with an allele frequency of 0.0017%. However, to our knowledge, it has not been reported in the scientific literature. In silico analysis predicts that this variant has a deleterious effect. According to the currently available evidence, this variant has been classified as uncertain significance (PM2_P, PP3).

Labcorp Genetics (formerly Invitae), Labcorp
Classification: Uncertain significance. Last evaluated: 2025-05-05. Review status: criteria provided, single submitter. Criteria: Invitae Variant Classification Sherloc (09022015). Collection method: clinical testing. Allele origin: germline.
Comment: This sequence change replaces alanine, which is neutral and non-polar, with threonine, which is neutral and polar, at codon 724 of the ATP6V0A4 protein (p.Ala724Thr). This variant is present in population databases (rs374563625, gnomAD 0.01%). This variant has not been reported in the literature in individuals affected with ATP6V0A4-related conditions. ClinVar contains an entry for this variant (Variation ID: 2416410). Invitae Evidence Modeling of protein sequence and biophysical properties (such as structural, functional, and spatial information, amino acid conservation, physicochemical variation, residue mobility, and thermodynamic stability) indicates that this missense variant is not expected to disrupt ATP6V0A4 protein function with a negative predictive value of 80%. In summary, the available evidence is currently insufficient to determine the role of this variant in disease. Therefore, it has been classified as a Variant of Uncertain Significance.